The following is an entry in ClinVar:

ClinVar aggregate classification (germline): Uncertain significance (1 of 4 stars; one submission).

Conditions:
MHC class I deficiency. Identifiers: Orphanet 34592, MedGen C6024714, MONDO:0011476.

Submission:

Labcorp Genetics (formerly Invitae), Labcorp
Classification: Uncertain significance for MHC class I deficiency 1. Last evaluated: 2025-07-28. Review status: criteria provided, single submitter. Criteria: Invitae Variant Classification Sherloc (09022015). Collection method: clinical testing. Allele origin: germline.
Comment: This sequence change replaces arginine, which is basic and polar, with leucine, which is neutral and non-polar, at codon 169 of the TAPBP protein (p.Arg169Leu). This variant is not present in population databases (gnomAD no frequency). This variant has not been reported in the literature in individuals affected with TAPBP-related conditions. ClinVar contains an entry for this variant (Variation ID: 1491486). An algorithm developed to predict the effect of missense changes on protein structure and function outputs the following: PolyPhen-2: "Benign". The leucine amino acid residue is found in multiple mammalian species, which suggests that this missense change does not adversely affect protein function. Algorithms developed to predict the effect of sequence changes on RNA splicing suggest that this variant may disrupt the consensus splice site. In summary, the available evidence is currently insufficient to determine the role of this variant in disease. Therefore, it has been classified as a Variant of Uncertain Significance.

NM_003190.5(TAPBP):c.506G>T (p.Arg169Leu)

Gene: TAPBP (TAP binding protein; minus strand). Cytogenetic location: 6p21.32.
Variant type: single nucleotide variant.
Coding change: c.506G>T on transcript NM_003190.5 (MANE Select); coding-DNA position 506, G replaced by T.
Protein change: p.Arg169Leu; replaces arginine 169 with leucine.
Molecular consequence: missense variant.
Genome position (GRCh38, 1-based): chr6:33,305,351, C>A on the plus strand (G>T on the coding strand, the complement: TAPBP is on the minus strand). VCF-style: chr6-33305351-C-A. GRCh37 (hg19) VCF-style: chr6-33273128-C-A.
Other names: c.506G>T, p.Arg169Leu (NM_172208.3); c.245G>T, p.Arg82Leu (NM_172209.3); short protein forms R82L, R169L.
Identifiers: ClinVar variation 1491486 (VCV001491486.8), dbSNP rs768577222, ClinGen allele CA363692039.
Genomic context (GRCh38, chr6:33,305,351, plus strand): 5'-GAGGTGGGGGGCATGTAGGCAAAGCTCAAGTCCAGCAGAGCATCTTGTCCCAGTCTCACT[C>A]GAGGGGCAGGGGTGTGGGTGAGGACAGTCAGTACCACTGAGGAAGACAGGGAGATGAGGG-3'
Protein context (NP_003181.3, residues 159-179): LTVLTHTPAP[Arg169Leu]VRLGQDALLD